The following is an entry in ClinVar:

ClinVar aggregate classification (germline): Likely pathogenic (1 of 4 stars; one submission).

Conditions:
Primary ciliary dyskinesia. Also called: Ciliary dyskinesia. Identifiers: Orphanet 244, MedGen C0008780, MONDO:0016575, HP:0012265.

Submission:

Labcorp Genetics (formerly Invitae), Labcorp
Classification: Likely pathogenic for Primary ciliary dyskinesia. Last evaluated: 2022-12-28. Review status: criteria provided, single submitter. Criteria: Invitae Variant Classification Sherloc (09022015). Collection method: clinical testing. Allele origin: germline.
Comment: In summary, the currently available evidence indicates that the variant is pathogenic, but additional data are needed to prove that conclusively. Therefore, this variant has been classified as Likely Pathogenic. Algorithms developed to predict the effect of sequence changes on RNA splicing suggest that this variant may disrupt the consensus splice site. This variant has not been reported in the literature in individuals affected with DNAH5-related conditions. This variant is not present in population databases (gnomAD no frequency). This sequence change affects a donor splice site in intron 77 of the DNAH5 gene. It is expected to disrupt RNA splicing. Variants that disrupt the donor or acceptor splice site typically lead to a loss of protein function (PMID: 16199547), and loss-of-function variants in DNAH5 are known to be pathogenic (PMID: 11788826, 16627867).

Literature cited by the submitters: PubMed 16199547; PubMed 11788826; PubMed 16627867.

NM_001369.3(DNAH5):c.13491+1G>A

Gene: DNAH5 (dynein axonemal heavy chain 5; minus strand). Cytogenetic location: 5p15.2.
Variant type: single nucleotide variant.
Coding change: c.13491+1G>A on transcript NM_001369.3 (MANE Select); the canonical splice donor site of the intron after coding-DNA position 13491, G replaced by A.
Molecular consequence: splice donor variant.
Genome position (GRCh38, 1-based): chr5:13,701,283, C>T on the plus strand (G>A on the coding strand, the complement: DNAH5 is on the minus strand). VCF-style: chr5-13701283-C-T. GRCh37 (hg19) VCF-style: chr5-13701392-C-T.
Identifiers: ClinVar variation 1966403 (VCV001966403.5), dbSNP rs2546469118, ClinGen allele CA359192347.